The following is an entry in ClinVar:

NM_006648.4(WNK2):c.2018A>G (p.Gln673Arg)

Gene: WNK2 (WNK lysine deficient protein kinase 2; plus strand). Cytogenetic location: 9q22.31.
Variant type: single nucleotide variant.
Coding change: c.2018A>G on transcript NM_006648.4 (MANE Select); coding-DNA position 2018, A replaced by G.
Protein change: p.Gln673Arg; replaces glutamine 673 with arginine.
Molecular consequence: missense variant.
Genome position (GRCh38, 1-based): chr9:93,253,066, A>G. VCF-style: chr9-93253066-A-G. GRCh37 (hg19) VCF-style: chr9-96015348-A-G.
Other names: c.2018A>G, p.Gln673Arg (NM_001282394.3); short protein forms Q673R.
Identifiers: ClinVar variation 2543186 (VCV002543186.3), dbSNP rs1416742672, ClinGen allele CA374050979.

ClinVar aggregate classification (germline): Uncertain significance (1 of 4 stars; one submission).

Allele frequency attached by ClinVar (database versions not stated): gnomAD exomes below 0.00001; TOPMed below 0.00001; gnomAD 0.00001.
gnomAD v4.1: 3 of 1,490,008 alleles (0.0002%); highest among the groups gnomAD compares: East Asian, 0.0052%; no homozygotes.

Submission:

Ambry Genetics
Classification: Uncertain significance. Last evaluated: 2026-06-09. Review status: criteria provided, single submitter. Criteria: Ambry Variant Classification Scheme 2023. Collection method: clinical testing. Allele origin: germline.
Comment: The p.Q673R variant (also known as c.2018A>G), located in coding exon 8 of the WNK2 gene, results from an A to G substitution at nucleotide position 2018. The glutamine at codon 673 is replaced by arginine, an amino acid with highly similar properties. This amino acid position is conserved. In addition, this alteration is predicted to be tolerated by in silico analysis. Based on the available evidence, the clinical significance of this variant remains unclear.